The following is an entry in ClinVar:

NM_004415.4(DSP):c.4727A>G (p.Glu1576Gly)

Gene: DSP (desmoplakin; plus strand). Cytogenetic location: 6p24.3.
Variant type: single nucleotide variant.
Coding change: c.4727A>G on transcript NM_004415.4 (MANE Select); coding-DNA position 4727, A replaced by G.
Protein change: p.Glu1576Gly; replaces glutamic acid 1576 with glycine.
Molecular consequence: missense variant. On other transcripts: intron variant (2).
Genome position (GRCh38, 1-based): chr6:7,580,917, A>G. VCF-style: chr6-7580917-A-G. GRCh37 (hg19) VCF-style: chr6-7581150-A-G.
Other names: c.4050+677A>G (NM_001319034.2); c.3582+1145A>G (NM_001008844.3); short protein forms E1576G.
Identifiers: ClinVar variation 5035637 (VCV005035637.1).

ClinVar aggregate classification (germline): Uncertain significance (1 of 4 stars; one submission).

Conditions:
Cardiovascular phenotype. Identifiers: MedGen CN230736.

gnomAD v4.1: 1 of 1,614,166 alleles (0.000062%); highest among the groups gnomAD compares: Non-Finnish European, 0.000085%; no homozygotes.

Submission:

Ambry Genetics
Classification: Uncertain significance for Cardiovascular phenotype. Last evaluated: 2026-07-02. Review status: criteria provided, single submitter. Criteria: Ambry Variant Classification Scheme 2023. Collection method: clinical testing. Allele origin: germline.
Comment: The p.E1576G variant (also known as c.4727A>G), located in coding exon 23 of the DSP gene, results from an A to G substitution at nucleotide position 4727. The glutamic acid at codon 1576 is replaced by glycine, an amino acid with similar properties. This amino acid position is conserved. In addition, the in silico prediction for this alteration is inconclusive. Based on the available evidence, the clinical significance of this variant remains unclear.